The following is an entry in ClinVar:

ClinVar aggregate classification (germline): Likely pathogenic (1 of 4 stars; one submission).

Submission:

Athena Diagnostics
Classification: Likely pathogenic. Last evaluated: 2021-02-26. Review status: criteria provided, single submitter. Criteria: Athena Diagnostics criteria. Collection method: clinical testing. Allele origin: unknown.
Comment: This variant is presumed to be inserted in tandem within the DMD gene and would maintain the transcript's reading frame, but is expected to disrupt protein function. Similar duplications of exons 45-49 have been identified in at least one male with Becker muscular dystrophy (BMD, PMID: 33101180), as well as multiple males with Duchenne muscular dystrophy (DMD, PMID: 28610567, 25751470, 17259292, 9800909). This variant has not been reported in large, multi-ethnic general populations.

Literature cited by the submitters: PubMed 17561468; PubMed 19084397; PubMed 9800909; PubMed 33101180; PubMed 29973226; PubMed 25751470; PubMed 32194622; PubMed 31705731; PubMed 31081998; PubMed 28610567; PubMed 17259292; PubMed 23588064; PubMed 19367636; PubMed 25972034.

Single allele

Gene: DMD (dystrophin; minus strand). Cytogenetic location: Xp21.1.
Variant type: Duplication.
Identifiers: ClinVar variation 1256413 (VCV001256413.1).